The following is an entry in ClinVar:

NM_000051.4(ATM):c.8787-3T>C

Genes: ATM (ATM serine/threonine kinase; plus strand), C11orf65 (chromosome 11 open reading frame 65; minus strand). Cytogenetic location: 11q22.3.
Variant type: single nucleotide variant.
Coding change: c.8787-3T>C on transcript NM_000051.4 (MANE Select); 3 bases into the intron before coding-DNA position 8787, T replaced by C.
Molecular consequence: intron variant.
Genome position (GRCh38, 1-based): chr11:108,354,808, T>C. VCF-style: chr11-108354808-T-C. GRCh37 (hg19) VCF-style: chr11-108225535-T-C.
Other names: c.8787-3T>C (NM_001351834.2); c.640+31112A>G (NM_001330368.2); c.695-19516A>G (NM_001351110.2).
Identifiers: ClinVar variation 964907 (VCV000964907.23), dbSNP rs2089687765, ClinGen allele CA1139662282.

ClinVar aggregate classification (germline): Conflicting classifications of pathogenicity. Review status: criteria provided, conflicting classifications (1 of 4 stars). 5 submissions from 5 submitters: Uncertain significance (2); Likely benign (2). 1 of the submissions does not count toward it. Last evaluated 2026-01-10.

Conditions:
Hereditary cancer-predisposing syndrome. Also called: Tumor predisposition; Neoplastic Syndromes, Hereditary; Hereditary neoplastic syndrome; Hereditary Cancer Syndrome. Identifiers: Orphanet 140162, MedGen C0027672, MeSH D009386, MONDO:0015356.
Familial cancer of breast. Also called: Hereditary breast cancer; hereditary breast carcinoma; BREAST CANCER, FAMILIAL. Identifiers: Orphanet 227535, MedGen C0346153, MONDO:0016419, OMIM 114480. Disease mechanism: loss of function.
Ataxia-telangiectasia syndrome (AT). Also called: Ataxia-telangiectasia, complementation group D; AT, COMPLEMENTATION GROUP C; ATAXIA-TELANGIECTASIA, COMPLEMENTATION GROUP A; ATAXIA-TELANGIECTASIA, FRESNO VARIANT; Ataxia-telangiectasia; Ataxia telangiectasia (A-T). Identifiers: Orphanet 100, MedGen C0004135, MONDO:0008840, OMIM 208900.

Allele frequency attached by ClinVar (database versions not stated): gnomAD exomes below 0.00001.
gnomAD v4.1: 1 of 1,613,042 alleles (0.000062%); highest among the groups gnomAD compares: Non-Finnish European, 0.000085%; no homozygotes.

Submissions (5):

Labcorp Genetics (formerly Invitae), Labcorp
Classification: Uncertain significance for Ataxia-telangiectasia syndrome. Last evaluated: 2026-01-10. Review status: criteria provided, single submitter. Criteria: Invitae Variant Classification Sherloc (09022015). Collection method: clinical testing. Allele origin: germline.
Comment: This sequence change falls in intron 60 of the ATM gene. It does not directly change the encoded amino acid sequence of the ATM protein. It affects a nucleotide within the consensus splice site. This variant is not present in population databases (gnomAD no frequency). This variant has not been reported in the literature in individuals affected with ATM-related conditions. ClinVar contains an entry for this variant (Variation ID: 964907). Variants that disrupt the consensus splice site are a relatively common cause of aberrant splicing (PMID: 17576681, 9536098). Algorithms developed to predict the effect of sequence changes on RNA splicing suggest that this variant is not likely to affect RNA splicing. In summary, the available evidence is currently insufficient to determine the role of this variant in disease. Therefore, it has been classified as a Variant of Uncertain Significance.

Myriad Genetics, Inc.
Classification: Likely benign for Familial cancer of breast. Last evaluated: 2024-06-21. Review status: criteria provided, single submitter. Criteria: Myriad Autosomal Dominant, Autosomal Recessive and X-Linked Classification Criteria (2023). Collection method: clinical testing. Allele origin: unknown.
Comment: This variant is considered likely benign. This variant is intronic and is not expected to impact mRNA splicing.

Women's Health and Genetics/Laboratory Corporation of America, LabCorp
Classification: Uncertain significance. Last evaluated: 2024-01-22. Review status: criteria provided, single submitter. Criteria: LabCorp Variant Classification Summary - May 2015. Collection method: clinical testing. Allele origin: germline.

Ambry Genetics
Classification: Likely benign for Hereditary cancer-predisposing syndrome. Last evaluated: 2021-05-28. Review status: criteria provided, single submitter. Criteria: Ambry Variant Classification Scheme 2023. Collection method: clinical testing. Allele origin: germline.

Natera, Inc.
Classification: Uncertain significance for Ataxia-telangiectasia. Last evaluated: 2020-08-18. Review status: no assertion criteria provided. Collection method: clinical testing. Allele origin: germline. Not counted in ClinVar's aggregate classification.

Literature cited by the submitters: PubMed 17576681 (cited by Labcorp Genetics (formerly Invitae), Labcorp); PubMed 9536098 (cited by Labcorp Genetics (formerly Invitae), Labcorp).